The following is an entry in ClinVar:

ClinVar aggregate classification (germline): Uncertain significance (1 of 4 stars; one submission).

Conditions:
Catecholaminergic polymorphic ventricular tachycardia (CVPT). Also called: Catecholamine-induced polymorphic ventricular tachycardia. Identifiers: Orphanet 3286, MedGen C5574922, MONDO:0017990.

Submission:

All of Us Research Program, National Institutes of Health
Classification: Uncertain significance for Catecholaminergic polymorphic ventricular tachycardia. Last evaluated: 2023-04-27. Review status: criteria provided, single submitter. Criteria: ACMG Guidelines, 2015. Collection method: clinical testing. Allele origin: germline. Inheritance: Autosomal dominant inheritance. Observed: 1 variant allele, 1 heterozygote.
Comment: This study involves interpretation of variants in research participants for the purpose of population health screening. Participant phenotype was not available at the time of variant classification. Additional details can be found in publication PMID: 35346344, PMCID: PMC8962531

NM_001035.3(RYR2):c.8532G>T (p.Met2844Ile)

Gene: RYR2 (ryanodine receptor 2; plus strand). Cytogenetic location: 1q43.
Variant type: single nucleotide variant.
Coding change: c.8532G>T on transcript NM_001035.3 (MANE Select); coding-DNA position 8532, G replaced by T.
Protein change: p.Met2844Ile; replaces methionine 2844 with isoleucine.
Molecular consequence: missense variant.
Genome position (GRCh38, 1-based): chr1:237,667,900, G>T. VCF-style: chr1-237667900-G-T. GRCh37 (hg19) VCF-style: chr1-237831200-G-T.
Other names: short protein forms M2844I.
Identifiers: ClinVar variation 3070581 (VCV003070581.1), dbSNP rs2547168326, ClinGen allele CA345402409.
Genomic context (GRCh38, chr1:237,667,900, plus strand): 5'-CTTTTTTACTTATTGAAACGATAAATATTTTTGTTCATTTAAGGCTATGGCAGAAATGAT[G>T]GCTGAAAACTACCATAATATATGGGCAAAGAAAAAGAAAATGGAGTTGGAGTCCAAAGGT-3'
Protein context (NP_001026.2, residues 2834-2854): SRDLHAMAEM[Met2844Ile]AENYHNIWAK